The following is an entry in ClinVar:

ClinVar aggregate classification (germline): Likely benign (0 of 4 stars; one submission).

Conditions:
POU3F2-related disorder. Also called: POU3F2-related condition.

Submission:

PreventionGenetics, part of Exact Sciences
Classification: Likely benign for POU3F2-related condition. Last evaluated: 2023-07-22. Review status: no assertion criteria provided. Collection method: clinical testing. Allele origin: germline.
Comment: This variant is classified as likely benign based on ACMG/AMP sequence variant interpretation guidelines (Richards et al. 2015 PMID: 25741868, with internal and published modifications).

NM_005604.4(POU3F2):c.378_395dup (p.Gln133_Gln134insHisGlnGlnGlnGlnGln)

Genes: POU3F2 (POU class 3 homeobox 2; plus strand), LOC129996863 (ATAC-STARR-seq lymphoblastoid active region 24850; plus strand). Cytogenetic location: 6q16.1.
Variant type: Duplication.
Coding change: c.378_395dup on transcript NM_005604.4 (MANE Select); coding-DNA positions 378 to 395, 18 bases duplicated (GCAGCATCAGCAGCAGCA).
Protein change: p.Gln133_Gln134insHisGlnGlnGlnGlnGln.
Genome position (GRCh38, 1-based): chr6:98,835,251-98,835,268, GCAGCATCAGCAGCAGCA duplicated; duplicating any 18 consecutive bases within chr6:98,835,245-98,835,268 gives the same sequence; the c. name uses the placement nearest the transcript's 3' end. VCF-style (leftmost placement, unchanged base first): chr6-98835244-T-TGCAGCAGCAGCATCAGCA. GRCh37 (hg19) VCF-style: chr6-99283120-T-TGCAGCAGCAGCATCAGCA.
Identifiers: ClinVar variation 3048724 (VCV003048724.2), dbSNP rs1554212728, ClinGen allele CA3933175.